The following is an entry in ClinVar:

NM_006846.4(SPINK5):c.2611C>T (p.Arg871Ter)

Gene: SPINK5 (serine peptidase inhibitor Kazal type 5; plus strand). Cytogenetic location: 5q32.
Variant type: single nucleotide variant.
Coding change: c.2611C>T on transcript NM_006846.4 (MANE Select); coding-DNA position 2611, C replaced by T.
Protein change: p.Arg871Ter; replaces arginine 871 with a stop codon.
Molecular consequence: nonsense.
Genome position (GRCh38, 1-based): chr5:148,123,905, C>T. VCF-style: chr5-148123905-C-T. GRCh37 (hg19) VCF-style: chr5-147503468-C-T.
Other names: c.2611C>T, p.Arg871Ter (NM_001127698.2, NM_001127699.2); short protein forms R871*.
Identifiers: ClinVar variation 959534 (VCV000959534.11), dbSNP rs1340491788, ClinGen allele CA361647846.

ClinVar aggregate classification (germline): Pathogenic/Likely pathogenic. Review status: criteria provided, multiple submitters, no conflicts (2 of 4 stars). 4 submissions from 4 submitters: Pathogenic (3); Likely pathogenic (1). Last evaluated 2024-06-03.

Conditions:
SPINK5-related disorder. Also called: SPINK5-related condition.
Ichthyosis linearis circumflexa. Identifiers: MedGen C0265962, MONDO:0043106, HP:0025810.
Netherton syndrome (NETH). Also called: NETHERTON DISEASE; ERYTHRODERMA, ICHTHYOSIFORM, WITH HYPOTRICHOSIS AND HYPER-IgE; COMEL-NETHERTON SYNDROME. Identifiers: Orphanet 634, MedGen C5574950, MONDO:0009735, OMIM 256500.

Allele frequency attached by ClinVar (database versions not stated): gnomAD exomes below 0.00001 and 0.00001; TOPMed below 0.00001.
gnomAD v4.1: 7 of 1,613,864 alleles (0.00043%); highest among the groups gnomAD compares: Admixed American, 0.0017%; no homozygotes.

Submissions (4):

Fulgent Genetics
Classification: Pathogenic for Netherton syndrome. Last evaluated: 2024-06-03. Review status: criteria provided, single submitter. Criteria: ACMG Guidelines, 2015. Collection method: clinical testing. Allele origin: germline.

Revvity Omics, Revvity
Classification: Pathogenic for Netherton syndrome. Last evaluated: 2023-12-13. Review status: criteria provided, single submitter. Criteria: ACMG Guidelines, 2015. Collection method: clinical testing. Allele origin: germline.

Blueprint Genetics
Classification: Likely pathogenic for SPINK5-related disorders. Last evaluated: 2020-03-27. Review status: criteria provided, single submitter. Criteria: ACMG Guidelines, 2015. Collection method: clinical testing. Allele origin: germline. Affected: yes. Observed: 3 variant alleles.

Labcorp Genetics (formerly Invitae), Labcorp
Classification: Pathogenic for Ichthyosis linearis circumflexa. Last evaluated: 2019-07-25. Review status: criteria provided, single submitter. Criteria: Invitae Variant Classification Sherloc (09022015). Collection method: clinical testing. Allele origin: germline.
Comment: This variant is not present in population databases (ExAC no frequency). This sequence change creates a premature translational stop signal (p.Arg871*) in the SPINK5 gene. It is expected to result in an absent or disrupted protein product. This variant has not been reported in the literature in individuals with SPINK5-related conditions. Loss-of-function variants in SPINK5 are known to be pathogenic (PMID: 11511292, 11841556). For these reasons, this variant has been classified as Pathogenic.

Literature cited by the submitters: PubMed 11511292 (cited by Labcorp Genetics (formerly Invitae), Labcorp); PubMed 11841556 (cited by Labcorp Genetics (formerly Invitae), Labcorp).